The following is an entry in ClinVar:

NM_000032.5(ALAS2):c.1274C>T (p.Pro425Leu)

Gene: ALAS2 (5'-aminolevulinate synthase 2; minus strand). Cytogenetic location: Xp11.21.
Variant type: single nucleotide variant.
Coding change: c.1274C>T on transcript NM_000032.5 (MANE Select); coding-DNA position 1274, C replaced by T.
Protein change: p.Pro425Leu; replaces proline 425 with leucine.
Molecular consequence: missense variant.
Genome position (GRCh38, 1-based): chrX:55,014,910, G>A on the plus strand (C>T on the coding strand, the complement: ALAS2 is on the minus strand). VCF-style: chrX-55014910-G-A. GRCh37 (hg19) VCF-style: chrX-55041343-G-A.
Other names: c.1163C>T, p.Pro388Leu (NM_001037967.4); c.1235C>T, p.Pro412Leu (NM_001037968.4); short protein forms P425L, P412L, P388L.
Identifiers: ClinVar variation 2159079 (VCV002159079.4), dbSNP rs2519578109, ClinGen allele CA413292905.

ClinVar aggregate classification (germline): Uncertain significance (1 of 4 stars; one submission).

Submission:

Labcorp Genetics (formerly Invitae), Labcorp
Classification: Uncertain significance. Last evaluated: 2022-03-14. Review status: criteria provided, single submitter. Criteria: Invitae Variant Classification Sherloc (09022015). Collection method: clinical testing. Allele origin: germline.
Comment: This sequence change replaces proline, which is neutral and non-polar, with leucine, which is neutral and non-polar, at codon 425 of the ALAS2 protein (p.Pro425Leu). This variant is not present in population databases (gnomAD no frequency). This variant has not been reported in the literature in individuals affected with ALAS2-related conditions. Advanced modeling of protein sequence and biophysical properties (such as structural, functional, and spatial information, amino acid conservation, physicochemical variation, residue mobility, and thermodynamic stability) performed at Invitae indicates that this missense variant is expected to disrupt ALAS2 protein function. In summary, the available evidence is currently insufficient to determine the role of this variant in disease. Therefore, it has been classified as a Variant of Uncertain Significance.